The following is an entry in ClinVar:

ClinVar aggregate classification (germline): Uncertain significance. Review status: criteria provided, multiple submitters, no conflicts (2 of 4 stars). 2 submissions from 2 submitters: Uncertain significance (2). Last evaluated 2023-07-12.

Conditions:
Inborn genetic diseases. Identifiers: MedGen C0950123, MeSH D030342.

Allele frequency attached by ClinVar (database versions not stated): gnomAD 0.00001; TOPMed 0.00001; ExAC 0.00002; gnomAD exomes 0.00002 and 0.00004.
gnomAD v4.1: 62 of 1,610,496 alleles (0.0038%); highest among the groups gnomAD compares: Non-Finnish European, 0.0051%; no homozygotes.

Submissions (2):

Ambry Genetics
Classification: Uncertain significance for Inborn genetic diseases. Last evaluated: 2023-07-12. Review status: criteria provided, single submitter. Criteria: Ambry Variant Classification Scheme 2023. Collection method: clinical testing. Allele origin: germline.

Labcorp Genetics (formerly Invitae), Labcorp
Classification: Uncertain significance. Last evaluated: 2022-07-23. Review status: criteria provided, single submitter. Criteria: Invitae Variant Classification Sherloc (09022015). Collection method: clinical testing. Allele origin: germline.
Comment: This sequence change replaces glycine, which is neutral and non-polar, with arginine, which is basic and polar, at codon 1243 of the TUBGCP6 protein (p.Gly1243Arg). This variant is present in population databases (rs773245723, gnomAD 0.005%). This variant has not been reported in the literature in individuals affected with TUBGCP6-related conditions. ClinVar contains an entry for this variant (Variation ID: 1432877). Algorithms developed to predict the effect of missense changes on protein structure and function are either unavailable or do not agree on the potential impact of this missense change (SIFT: "Deleterious"; PolyPhen-2: "Probably Damaging"; Align-GVGD: "Class C0"). Algorithms developed to predict the effect of sequence changes on RNA splicing suggest that this variant may create or strengthen a splice site. In summary, the available evidence is currently insufficient to determine the role of this variant in disease. Therefore, it has been classified as a Variant of Uncertain Significance.

NM_020461.4(TUBGCP6):c.3727G>A (p.Gly1243Arg)

Gene: TUBGCP6 (tubulin gamma complex component 6; minus strand). Cytogenetic location: 22q13.33.
Variant type: single nucleotide variant.
Coding change: c.3727G>A on transcript NM_020461.4 (MANE Select); coding-DNA position 3727, G replaced by A.
Protein change: p.Gly1243Arg; replaces glycine 1243 with arginine.
Molecular consequence: missense variant.
Genome position (GRCh38, 1-based): chr22:50,220,632, C>T on the plus strand (G>A on the coding strand, the complement: TUBGCP6 is on the minus strand). VCF-style: chr22-50220632-C-T. GRCh37 (hg19) VCF-style: chr22-50659061-C-T.
Other names: c.3727G>A (NM_020461.3); short protein forms G1243R.
Identifiers: ClinVar variation 1432877 (VCV001432877.6), dbSNP rs773245723, ClinGen allele CA10307841.